The following is an entry in ClinVar:

NM_002080.4(GOT2):c.399T>A (p.Ser133=)

Genes: GOT2 (glutamic-oxaloacetic transaminase 2; minus strand), LOC126862363 (BRD4-independent group 4 enhancer GRCh37_chr16:58751959-58753158; plus strand). Cytogenetic location: 16q21.
Variant type: single nucleotide variant.
Coding change: c.399T>A on transcript NM_002080.4 (MANE Select); coding-DNA position 399, T replaced by A.
Protein change: p.Ser133=; no amino-acid change (serine 133 retained).
Molecular consequence: synonymous variant.
Genome position (GRCh38, 1-based): chr16:58,719,232, A>T on the plus strand (T>A on the coding strand, the complement: GOT2 is on the minus strand). VCF-style: chr16-58719232-A-T. GRCh37 (hg19) VCF-style: chr16-58753136-A-T.
Other names: c.270T>A, p.Ser90= (NM_001286220.2).
Identifiers: ClinVar variation 4875100 (VCV004875100.2).

ClinVar aggregate classification (germline): Likely benign (1 of 4 stars; one submission).

gnomAD v4.1: 1 of 1,613,312 alleles (0.000062%); highest among the groups gnomAD compares: Admixed American, 0.0017%; no homozygotes.

Submission:

CeGaT Center for Human Genetics Tuebingen
Classification: Likely benign. Last evaluated: 2026-06-01. Review status: criteria provided, single submitter. Criteria: CeGaT Center For Human Genetics Tuebingen Variant Classification Criteria Version 2. Collection method: clinical testing. Allele origin: germline. Affected: yes. Observed: 1 variant allele.
Comment: GOT2: BP4, BP7